The following is an entry in ClinVar:

ClinVar aggregate classification (germline): Uncertain significance. Review status: criteria provided, multiple submitters, no conflicts (2 of 4 stars). 2 submissions from 2 submitters: Uncertain significance (2). Last evaluated 2023-07-11.

Conditions:
Spastic paraplegia. Identifiers: MedGen C0037772, HP:0001258.

Submissions (2):

GeneDx
Classification: Uncertain significance. Last evaluated: 2023-07-11. Review status: criteria provided, single submitter. Criteria: GeneDx Variant Classification Process June 2021. Collection method: clinical testing. Allele origin: germline. Affected: yes.
Comment: In silico analysis supports that this missense variant has a deleterious effect on protein structure/function; Has not been previously published as pathogenic or benign to our knowledge

Labcorp Genetics (formerly Invitae), Labcorp
Classification: Uncertain significance for Spastic paraplegia. Last evaluated: 2022-06-26. Review status: criteria provided, single submitter. Criteria: Invitae Variant Classification Sherloc (09022015). Collection method: clinical testing. Allele origin: germline.
Comment: Algorithms developed to predict the effect of missense changes on protein structure and function (SIFT, PolyPhen-2, Align-GVGD) all suggest that this variant is likely to be disruptive. In summary, the available evidence is currently insufficient to determine the role of this variant in disease. Therefore, it has been classified as a Variant of Uncertain Significance. This variant has not been reported in the literature in individuals affected with SLC33A1-related conditions. This variant is present in population databases (no rsID available, gnomAD 0.003%). This sequence change replaces serine, which is neutral and polar, with tyrosine, which is neutral and polar, at codon 237 of the SLC33A1 protein (p.Ser237Tyr).

NM_004733.4(SLC33A1):c.710C>A (p.Ser237Tyr)

Gene: SLC33A1 (solute carrier family 33 member 1; minus strand). Cytogenetic location: 3q25.31.
Variant type: single nucleotide variant.
Coding change: c.710C>A on transcript NM_004733.4 (MANE Select); coding-DNA position 710, C replaced by A.
Protein change: p.Ser237Tyr; replaces serine 237 with tyrosine.
Molecular consequence: missense variant.
Genome position (GRCh38, 1-based): chr3:155,853,288, G>T on the plus strand (C>A on the coding strand, the complement: SLC33A1 is on the minus strand). VCF-style: chr3-155853288-G-T. GRCh37 (hg19) VCF-style: chr3-155571077-G-T.
Other names: c.710C>A (NM_004733.3); c.710C>A, p.Ser237Tyr (NM_001190992.2, NM_001363883.1); short protein forms S237Y.
Identifiers: ClinVar variation 2164484 (VCV002164484.5), dbSNP rs1371052745, ClinGen allele CA355143014.
Genomic context (GRCh38, chr3:155,853,288, plus strand): 5'-AGAGTAACGATTCCTCTGGGTTGAGGCTGAAACCGCAAATATTTGTTACAAAAGTCGGCA[G>T]ATTCAAGGGCCAAAAACAAAACATTGCCCAAAAAGTAACCCGCTGTTTGGCCCACCGAAT-3'
Protein context (NP_004724.1, residues 227-247): LGNVLFLALE[Ser237Tyr]ADFCNKYLRF